The following is an entry in ClinVar:

NM_183235.3(RAB27A):c.551G>A (p.Arg184Gln)

Gene: RAB27A (RAB27A, member RAS oncogene family; minus strand). Cytogenetic location: 15q21.3.
Variant type: single nucleotide variant.
Coding change: c.551G>A on transcript NM_183235.3 (MANE Select); coding-DNA position 551, G replaced by A.
Protein change: p.Arg184Gln; replaces arginine 184 with glutamine.
Molecular consequence: missense variant.
Genome position (GRCh38, 1-based): chr15:55,205,622, C>T on the plus strand (G>A on the coding strand, the complement: RAB27A is on the minus strand). VCF-style: chr15-55205622-C-T. GRCh37 (hg19) VCF-style: chr15-55497820-C-T.
Other names: c.551G>A, p.Arg184Gln (NM_004580.5, NM_183234.3, NM_183236.3); short protein forms R184Q.
Identifiers: ClinVar variation 577472 (VCV000577472.7), dbSNP rs141362723, ClinGen allele CA7573533.

ClinVar aggregate classification (germline): Uncertain significance. Review status: criteria provided, multiple submitters, no conflicts (2 of 4 stars). 2 submissions from 2 submitters: Uncertain significance (2). Last evaluated 2022-06-04.

Conditions:
Griscelli syndrome type 2 (GS2). Also called: PAID SYNDROME; PARTIAL ALBINISM AND IMMUNODEFICIENCY SYNDROME; GRISCELLI SYNDROME WITH HEMOPHAGOCYTIC SYNDROME. Identifiers: Orphanet 381, Orphanet 79477, MedGen C1868679, MONDO:0011872, OMIM 607624.
Autoinflammatory syndrome. Identifiers: Orphanet 93665, MedGen C3890737, MONDO:0019751.

Allele frequency attached by ClinVar (database versions not stated): TOPMed 0.00005; gnomAD 0.00006; gnomAD exomes 0.00010 and 0.00013; ESP Exome Variant Server 0.00015; 1000 Genomes Project 30x 0.00016; ExAC 0.00016; 1000 Genomes Project 0.00020.
gnomAD v4.1: 154 of 1,614,104 alleles (0.0095%); highest among the groups gnomAD compares: Middle Eastern, 0.099%; no homozygotes.

Submissions (2):

Labcorp Genetics (formerly Invitae), Labcorp
Classification: Uncertain significance for Griscelli syndrome type 2. Last evaluated: 2022-06-04. Review status: criteria provided, single submitter. Criteria: Invitae Variant Classification Sherloc (09022015). Collection method: clinical testing. Allele origin: germline.
Comment: This sequence change replaces arginine, which is basic and polar, with glutamine, which is neutral and polar, at codon 184 of the RAB27A protein (p.Arg184Gln). This variant is present in population databases (rs141362723, gnomAD 0.02%). This missense change has been observed in individual(s) with RAB27A-related conditions (PMID: 28353193, 30290665). ClinVar contains an entry for this variant (Variation ID: 577472). Algorithms developed to predict the effect of missense changes on protein structure and function are either unavailable or do not agree on the potential impact of this missense change (SIFT: "Deleterious"; PolyPhen-2: "Benign"; Align-GVGD: "Class C35"). In summary, the available evidence is currently insufficient to determine the role of this variant in disease. Therefore, it has been classified as a Variant of Uncertain Significance.

Genome Diagnostics Laboratory, The Hospital for Sick Children
Classification: Uncertain significance for Autoinflammatory syndrome. Last evaluated: 2018-07-01. Review status: criteria provided, single submitter. Criteria: ACMG Guidelines, 2015. Collection method: clinical testing. Allele origin: germline. Affected: yes.

Literature cited by the submitters: PubMed 28353193 (cited by Labcorp Genetics (formerly Invitae), Labcorp); PubMed 30290665 (cited by Labcorp Genetics (formerly Invitae), Labcorp).